The following is an entry in ClinVar:

ClinVar aggregate classification (germline): Conflicting classifications of pathogenicity. Review status: criteria provided, conflicting classifications (1 of 4 stars). 7 submissions from 7 submitters: Uncertain significance (6); Likely benign (1). Last evaluated 2025-08-18.

Conditions:
Lynch syndrome 5 (LYNCH5). Also called: Hereditary non-polyposis colorectal cancer, type 5; Colorectal cancer, hereditary nonpolyposis, type 5. Identifiers: Orphanet 144, MedGen C1833477, MONDO:0013710, OMIM 614350. Disease mechanism: loss of function.
Endometrial carcinoma. Also called: Endometrial carcinoma, somatic. Identifiers: MedGen C0476089, MONDO:0002447, OMIM 608089, HP:0012114.
Mismatch repair cancer syndrome 3. Identifiers: MedGen C5436807, MONDO:0030841, OMIM 619097.
Hereditary nonpolyposis colorectal neoplasms. Identifiers: MedGen C0009405, MeSH D003123.
Hereditary cancer-predisposing syndrome. Also called: Hereditary neoplastic syndrome; Hereditary Cancer Syndrome; Neoplastic Syndromes, Hereditary; Tumor predisposition. Identifiers: Orphanet 140162, MedGen C0027672, MeSH D009386, MONDO:0015356.

Submissions (7):

Labcorp Genetics (formerly Invitae), Labcorp
Classification: Likely benign for Hereditary nonpolyposis colorectal neoplasms. Last evaluated: 2025-08-18. Review status: criteria provided, single submitter. Criteria: Invitae Variant Classification Sherloc (09022015). Collection method: clinical testing. Allele origin: germline.

Color Diagnostics, LLC DBA Color Health
Classification: Uncertain significance for Hereditary cancer-predisposing syndrome. Last evaluated: 2025-06-11. Review status: criteria provided, single submitter. Criteria: ACMG Guidelines, 2015. Collection method: clinical testing. Allele origin: germline.
Comment: This variant replaces glutamic acid with aspartic acid at codon 1254 and aspartic acid with tyrosine at codon 1255 of the MSH6 protein. To our knowledge, functional studies have not been reported for this variant. This variant has not been reported in individuals affected with MSH6-related hereditary cancer in the literature. This variant has not been identified in the general population by the Genome Aggregation Database (gnomAD). The available evidence is insufficient to determine the role of this variant in disease conclusively. Therefore, this variant is classified as a Variant of Uncertain Significance.

Ambry Genetics
Classification: Uncertain significance for Hereditary cancer-predisposing syndrome. Last evaluated: 2024-10-25. Review status: criteria provided, single submitter. Criteria: Ambry Variant Classification Scheme 2023. Collection method: clinical testing. Allele origin: germline.
Comment: The c.3762_3763delAGinsTT variant (also known as p.E1254_D1255delinsDY), located in coding exon 8 of the MSH6 gene, results from an in-frame deletion of AG and insertion of TT at nucleotide positions 3762 and 3763. This results in the substitution of glutamate and aspartate residues for aspartate and tyrosine residues at codon 1254 and 1255. This amino acid region is well conserved in available vertebrate species. In addition, this alteration is predicted to be deleterious by in silico analysis (Choi Y et al. PLoS ONE. 2012; 7(10):e46688). Based on the available evidence, the clinical significance of this variant remains unclear.

Women's Health and Genetics/Laboratory Corporation of America, LabCorp
Classification: Uncertain significance. Last evaluated: 2022-11-17. Review status: criteria provided, single submitter. Criteria: LabCorp Variant Classification Summary - May 2015. Collection method: clinical testing. Allele origin: germline.
Comment: Variant summary: MSH6 c.3762_3763delinsTT (p.Glu1254_Asp1255delinsAspTyr) results in an in-frame deletion-insertion that is predicted to delete/insert 2 amino acids from the protein and also cause changes in 2 amino acids within the DNA mismatch repair protein MutS, C-terminal domain (IPR000432). The variant was absent in 251194 control chromosomes. The available data on variant occurrences in the general population are insufficient to allow any conclusion about variant significance. To our knowledge, no occurrence of c.3762_3763delinsTT in individuals affected with Lynch Syndrome and no experimental evidence demonstrating its impact on protein function have been reported. Five clinical diagnostic laboratories have submitted clinical-significance assessments for this variant to ClinVar after 2014 without evidence for independent evaluation. All laboratories classified the variant as uncertain significance. Based on the evidence outlined above, the variant was classified as uncertain significance.

Department of Pathology and Laboratory Medicine, Sinai Health System
Classification: Uncertain significance for Endometrial carcinoma; Lynch syndrome 5; Mismatch repair cancer syndrome 3. Last evaluated: 2020-02-18. Review status: criteria provided, single submitter. Criteria: ACMG Guidelines, 2015. Collection method: clinical testing. Allele origin: germline. Affected: yes.

Genetic Services Laboratory, University of Chicago
Classification: Uncertain significance. Last evaluated: 2019-02-13. Review status: criteria provided, single submitter. Criteria: ACMG Guidelines, 2015. Collection method: clinical testing. Allele origin: germline. Affected: no.

GeneDx
Classification: Uncertain significance. Last evaluated: 2018-10-02. Review status: criteria provided, single submitter. Criteria: GeneDx Variant Classification (06012015). Collection method: clinical testing. Allele origin: germline. Affected: yes.
Comment: This variant is denoted MSH6 c.3762_3763delAGinsTT at the cDNA level and p.Glu1254_Asp1255delinsAspTyr (E1254_D1255delinsDY) at the protein level. The surrounding sequence is TAGA[delAG][insTT]ATTA. The deletion and insertion results in the replacement of a Glutamic Acid and an Aspartic Acid residue with an Aspartic Acid and a Tyrosine residue, creating two adjacent missense changes: Glu1254Asp and Asp1255Tyr. This combined variant has not, to our knowledge, been reported in the literature as a pathogenic or benign germline variant. MSH6 c.3762_3763delAGinsTT was not observed in large population cohorts (Lek 2016). This variant is located in the ATPase domain (Warren 2007, Kansikas 2011). In silico analysis, which includes protein predictors and evolutionary conservation, supports a deleterious effect. Based on currently available evidence, it is unclear whether MSH6 c.3762_3763delAGinsTT is a pathogenic or benign variant. We consider it to be a variant of uncertain significance.

Literature cited by the submitters: PubMed 33471991 (cited by Ambry Genetics).

NM_000179.3(MSH6):c.3762_3763delinsTT (p.Glu1254_Asp1255delinsAspTyr)

Gene: MSH6 (mutS homolog 6; plus strand). Cytogenetic location: 2p16.3.
Variant type: Indel.
Coding change: c.3762_3763delinsTT on transcript NM_000179.3 (MANE Select); coding-DNA positions 3762 to 3763, AG replaced by TT.
Protein change: p.Glu1254_Asp1255delinsAspTyr.
Molecular consequence: missense variant.
Genome position (GRCh38, 1-based): chr2:47,806,319-47,806,320, AG replaced by TT. VCF-style: chr2-47806319-AG-TT. GRCh37 (hg19) VCF-style: chr2-48033458-AG-TT.
Other names: c.3372_3373delinsTT, p.Glu1124_Asp1125delinsAspTyr (NM_001281492.2); c.2856_2857delinsTT, p.Glu952_Asp953delinsAspTyr (NM_001281493.2, NM_001281494.2); c.3762_3763delAGinsTT (NM_000179.2).
Identifiers: ClinVar variation 237197 (VCV000237197.23), dbSNP rs878853738, ClinGen allele CA10582089.